The following is an entry in ClinVar:

NM_001067.4(TOP2A):c.690C>G (p.Ser230Arg)

Gene: TOP2A (DNA topoisomerase II alpha; minus strand). Cytogenetic location: 17q21.2.
Variant type: single nucleotide variant.
Coding change: c.690C>G on transcript NM_001067.4 (MANE Select); coding-DNA position 690, C replaced by G.
Protein change: p.Ser230Arg; replaces serine 230 with arginine.
Molecular consequence: missense variant.
Genome position (GRCh38, 1-based): chr17:40,412,858, G>C on the plus strand (C>G on the coding strand, the complement: TOP2A is on the minus strand). VCF-style: chr17-40412858-G-C. GRCh37 (hg19) VCF-style: chr17-38569110-G-C.
Other names: short protein forms S230R.
Identifiers: ClinVar variation 2647739 (VCV002647739.24), dbSNP rs535625351, ClinGen allele CA8543771.

ClinVar aggregate classification (germline): Likely benign (1 of 4 stars; one submission).

Allele frequency attached by ClinVar (database versions not stated): TOPMed 0.00002; gnomAD 0.00011; ExAC 0.00040; 1000 Genomes Project 0.00080; 1000 Genomes Project 30x 0.00125.
gnomAD v4.1: 199 of 1,613,806 alleles (0.012%); highest among the groups gnomAD compares: South Asian, 0.2%; 1 homozygote.

Submission:

CeGaT Center for Human Genetics Tuebingen
Classification: Likely benign. Last evaluated: 2023-09-01. Review status: criteria provided, single submitter. Criteria: CeGaT Center For Human Genetics Tuebingen Variant Classification Criteria Version 2. Collection method: clinical testing. Allele origin: germline. Affected: yes. Observed: 1 variant allele.
Comment: TOP2A: BP4